The following is an entry in ClinVar:

ClinVar aggregate classification (germline): Uncertain significance (1 of 4 stars; one submission).

Conditions:
Cardiovascular phenotype. Identifiers: MedGen CN230736.

Submission:

Ambry Genetics
Classification: Uncertain significance for Cardiovascular phenotype. Last evaluated: 2026-09-11. Review status: criteria provided, single submitter. Criteria: Ambry Variant Classification Scheme 2023. Collection method: clinical testing. Allele origin: germline.
Comment: The p.R3311K variant (also known as c.9932G>A), located in coding exon 26 of the APOB gene, results from a G to A substitution at nucleotide position 9932. The arginine at codon 3311 is replaced by lysine, an amino acid with highly similar properties. This amino acid position is conserved. In addition, this alteration is predicted to be tolerated by in silico analysis. Based on the available evidence, the clinical significance of this variant remains unclear.

NM_000384.3(APOB):c.9932G>A (p.Arg3311Lys)

Gene: APOB (apolipoprotein B; minus strand). Cytogenetic location: 2p24.1.
Variant type: single nucleotide variant.
Coding change: c.9932G>A on transcript NM_000384.3 (MANE Select); coding-DNA position 9932, G replaced by A.
Protein change: p.Arg3311Lys; replaces arginine 3311 with lysine.
Molecular consequence: missense variant.
Genome position (GRCh38, 1-based): chr2:21,006,936, C>T on the plus strand (G>A on the coding strand, the complement: APOB is on the minus strand). VCF-style: chr2-21006936-C-T. GRCh37 (hg19) VCF-style: chr2-21229808-C-T.
Other names: short protein forms R3311K.
Identifiers: ClinVar variation 4862883 (VCV004862883.2).